The following is an entry in ClinVar:

NM_001165963.4(SCN1A):c.4109C>T (p.Ala1370Val)

Genes: SCN1A (sodium voltage-gated channel alpha subunit 1; minus strand), LOC102724058 (uncharacterized LOC102724058; plus strand). Cytogenetic location: 2q24.3.
Variant type: single nucleotide variant.
Coding change: c.4109C>T on transcript NM_001165963.4 (MANE Select); coding-DNA position 4109, C replaced by T.
Protein change: p.Ala1370Val; replaces alanine 1370 with valine.
Molecular consequence: missense variant. On other transcripts: non-coding transcript variant (1).
Genome position (GRCh38, 1-based): chr2:166,002,647, G>A on the plus strand (C>T on the coding strand, the complement: SCN1A is on the minus strand). VCF-style: chr2-166002647-G-A. GRCh37 (hg19) VCF-style: chr2-166859157-G-A.
Other names: c.4025C>T, p.Ala1342Val (NM_001165964.3, NM_001353957.2, NM_001353958.2); c.4109C>T, p.Ala1370Val (NM_001202435.3, NM_001353948.2); c.4076C>T, p.Ala1359Val (NM_001353949.2, NM_001353950.2, NM_001353951.2 and 2 more transcripts); c.4073C>T, p.Ala1358Val (NM_001353954.2, NM_001353955.2); c.4022C>T, p.Ala1341Val (NM_001353960.2); c.1667C>T, p.Ala556Val (NM_001353961.2); short protein forms A1359V, A1370V, A1342V, A1358V, A1341V, A556V.
Identifiers: ClinVar variation 461269 (VCV000461269.6), dbSNP rs1553525210, ClinGen allele CA349050422.

ClinVar aggregate classification (germline): Pathogenic (1 of 4 stars; one submission).

Conditions:
Early-infantile DEE. Also called: Early infantile epileptic encephalopathy; Early infantile epileptic encephalopathy with suppression bursts; Ohtahara syndrome. Identifiers: Orphanet 1934, MedGen C0393706, MONDO:0800491.

Submission:

Labcorp Genetics (formerly Invitae), Labcorp
Classification: Pathogenic for Early-infantile DEE. Last evaluated: 2022-07-29. Review status: criteria provided, single submitter. Criteria: Invitae Variant Classification Sherloc (09022015). Collection method: clinical testing. Allele origin: germline.
Comment: This sequence change replaces alanine, which is neutral and non-polar, with valine, which is neutral and non-polar, at codon 1370 of the SCN1A protein (p.Ala1370Val). This variant is not present in population databases (gnomAD no frequency). This missense change has been observed in individual(s) with severe myoclonic epilepsy of infancy (PMID: 22028529). In at least one individual the variant was observed to be de novo. ClinVar contains an entry for this variant (Variation ID: 461269). Advanced modeling of protein sequence and biophysical properties (such as structural, functional, and spatial information, amino acid conservation, physicochemical variation, residue mobility, and thermodynamic stability) performed at Invitae indicates that this missense variant is expected to disrupt SCN1A protein function. For these reasons, this variant has been classified as Pathogenic.

Literature cited by the submitters: PubMed 22028529.